The following is an entry in ClinVar:

NM_000179.3(MSH6):c.3577G>C (p.Glu1193Gln)

Gene: MSH6 (mutS homolog 6; plus strand). Cytogenetic location: 2p16.3.
Variant type: single nucleotide variant.
Coding change: c.3577G>C on transcript NM_000179.3 (MANE Select); coding-DNA position 3577, G replaced by C.
Protein change: p.Glu1193Gln; replaces glutamic acid 1193 with glutamine.
Molecular consequence: missense variant. On other transcripts: non-coding transcript variant (5).
Genome position (GRCh38, 1-based): chr2:47,805,638, G>C. VCF-style: chr2-47805638-G-C. GRCh37 (hg19) VCF-style: chr2-48032777-G-C.
Other names: c.3187G>C, p.Glu1063Gln (NM_001281492.2); c.2671G>C, p.Glu891Gln (NM_001281493.2, NM_001281494.2, NM_001406811.1 and 6 more transcripts); c.3673G>C, p.Glu1225Gln (NM_001406795.1, NM_001406802.1); c.3577G>C, p.Glu1193Gln (NM_001406796.1, NM_001406800.1, NM_001406808.1 and 1 more transcripts); c.3280G>C, p.Glu1094Gln (NM_001406797.1, NM_001406801.1, NM_001406805.1 and 10 more transcripts); c.3403G>C, p.Glu1135Gln (NM_001406798.1); c.3052G>C, p.Glu1018Gln (NM_001406799.1, NM_001406806.1, NM_001406807.1); c.2713G>C, p.Glu905Gln (NM_001406803.1); and 7 more; short protein forms E1094Q, E905Q, E1063Q, E1167Q, E142Q, E1018Q, E1135Q, E1193Q.
Identifiers: ClinVar variation 3875055 (VCV003875055.2).

ClinVar aggregate classification (germline): Uncertain significance. Review status: criteria provided, multiple submitters, no conflicts (2 of 4 stars). 2 submissions from 2 submitters: Uncertain significance (2). Last evaluated 2025-05-04.

Conditions:
Hereditary cancer-predisposing syndrome. Also called: Tumor predisposition; Neoplastic Syndromes, Hereditary; Hereditary Cancer Syndrome; Hereditary neoplastic syndrome. Identifiers: Orphanet 140162, MedGen C0027672, MeSH D009386, MONDO:0015356.
Hereditary nonpolyposis colorectal neoplasms. Identifiers: MedGen C0009405, MeSH D003123.

gnomAD v4.1: 1 of 1,605,972 alleles (0.000062%); highest among the groups gnomAD compares: Admixed American, 0.0017%; no homozygotes.

Submissions (2):

Labcorp Genetics (formerly Invitae), Labcorp
Classification: Uncertain significance for Hereditary nonpolyposis colorectal neoplasms. Last evaluated: 2025-05-04. Review status: criteria provided, single submitter. Criteria: Invitae Variant Classification Sherloc (09022015). Collection method: clinical testing. Allele origin: germline.
Comment: This sequence change replaces glutamic acid, which is acidic and polar, with glutamine, which is neutral and polar, at codon 1193 of the MSH6 protein (p.Glu1193Gln). This variant is present in population databases (no rsID available, gnomAD 0.003%). This variant has not been reported in the literature in individuals affected with MSH6-related conditions. Invitae Evidence Modeling of protein sequence and biophysical properties (such as structural, functional, and spatial information, amino acid conservation, physicochemical variation, residue mobility, and thermodynamic stability) has been performed for this missense variant. However, the output from this modeling did not meet the statistical confidence thresholds required to predict the impact of this variant on MSH6 protein function. This variant disrupts the p.Glu1193 amino acid residue in MSH6. Other variant(s) that disrupt this residue have been determined to be pathogenic (PMID: 15354210, 16885385, 28531214; external communication, internal data). This suggests that this residue is clinically significant, and that variants that disrupt this residue are likely to be disease-causing. In summary, the available evidence is currently insufficient to determine the role of this variant in disease. Therefore, it has been classified as a Variant of Uncertain Significance.

Ambry Genetics
Classification: Uncertain significance for Hereditary cancer-predisposing syndrome. Last evaluated: 2025-01-06. Review status: criteria provided, single submitter. Criteria: Ambry Variant Classification Scheme 2023. Collection method: clinical testing. Allele origin: germline.
Comment: The p.E1193Q variant (also known as c.3577G>C), located in coding exon 7 of the MSH6 gene, results from a G to C substitution at nucleotide position 3577. The glutamic acid at codon 1193 is replaced by glutamine, an amino acid with highly similar properties. This amino acid position is highly conserved in available vertebrate species. In addition, this alteration is predicted to be deleterious by in silico analysis. Based on the available evidence, the clinical significance of this variant remains unclear.

Literature cited by the submitters: PubMed 15354210 (cited by Labcorp Genetics (formerly Invitae), Labcorp); PubMed 16885385 (cited by Labcorp Genetics (formerly Invitae), Labcorp); PubMed 28531214 (cited by Labcorp Genetics (formerly Invitae), Labcorp).